The following is an entry in ClinVar:

NM_001369.3(DNAH5):c.5272-15del

Gene: DNAH5 (dynein axonemal heavy chain 5; minus strand). Cytogenetic location: 5p15.2.
Variant type: Deletion.
Coding change: c.5272-15del on transcript NM_001369.3 (MANE Select); 15 bases into the intron before coding-DNA position 5272, one base deleted (T; older notation c.5272-15delT).
Molecular consequence: intron variant.
Genome position (GRCh38, 1-based): chr5:13,841,919, A deleted on the plus strand (T on the coding strand, the reverse complement: DNAH5 is on the minus strand); the first of 19 consecutive A bases (chr5:13,841,919-13,841,937); deleting any one gives the same sequence. VCF-style (leftmost placement, unchanged base first): chr5-13841918-CA-C. GRCh37 (hg19) VCF-style: chr5-13842027-CA-C.
Other names: c.5272-15delT (NM_001369.2).
Identifiers: ClinVar variation 351096 (VCV000351096.10), dbSNP rs35337694, ClinGen allele CA3203720.

ClinVar aggregate classification (germline): Benign/Likely benign. Review status: criteria provided, multiple submitters, no conflicts (2 of 4 stars). 3 submissions from 3 submitters: Benign (1); Likely benign (2). Last evaluated 2024-11-26.

Conditions:
Primary ciliary dyskinesia. Also called: Ciliary dyskinesia. Identifiers: Orphanet 244, MedGen C0008780, MONDO:0016575, HP:0012265.

Submissions (3):

Blueprint Genetics
Classification: Likely benign. Last evaluated: 2024-11-26. Review status: criteria provided, single submitter. Criteria: ACMG Guidelines, 2015. Collection method: clinical testing. Allele origin: germline.

Laboratory for Molecular Medicine, Mass General Brigham Personalized Medicine
Classification: Benign. Last evaluated: 2016-03-28. Review status: criteria provided, single submitter. Criteria: LMM Criteria. Collection method: clinical testing. Allele origin: germline.
Comment: Variant identified in a genome or exome case(s) and assessed due to predicted null impact of the variant or pathogenic assertions in the literature or databases. Disclaimer: This variant has not undergone full assessment. The following are preliminary notes: Frequency

Ambry Genetics
Classification: Likely benign for Primary ciliary dyskinesia. Last evaluated: 2015-08-05. Review status: criteria provided, single submitter. Criteria: Ambry Variant Classification Scheme 2023. Collection method: clinical testing. Allele origin: germline.